The following is an entry in ClinVar:

NM_001614.5(ACTG1):c.954C>T (p.Thr318=)

Gene: ACTG1 (actin gamma 1; minus strand). Cytogenetic location: 17q25.3.
Variant type: single nucleotide variant.
Coding change: c.954C>T on transcript NM_001614.5 (MANE Select); coding-DNA position 954, C replaced by T.
Protein change: p.Thr318=; no amino-acid change (threonine 318 retained).
Molecular consequence: synonymous variant. On other transcripts: non-coding transcript variant (1).
Genome position (GRCh38, 1-based): chr17:81,510,957, G>A on the plus strand (C>T on the coding strand, the complement: ACTG1 is on the minus strand). VCF-style: chr17-81510957-G-A. GRCh37 (hg19) VCF-style: chr17-79477983-G-A.
Other names: c.954C>T, p.Thr318= (NM_001199954.3).
Identifiers: ClinVar variation 227172 (VCV000227172.16), dbSNP rs3211110, ClinGen allele CA8835896.

ClinVar aggregate classification (germline): Benign/Likely benign. Review status: criteria provided, multiple submitters, no conflicts (2 of 4 stars). 6 submissions from 5 submitters: Benign (4); Likely benign (2). Last evaluated 2026-01-05.

Conditions:
Baraitser-winter syndrome 2. Identifiers: Orphanet 2995, MedGen C3281235, MONDO:0013812, OMIM 614583.
Autosomal dominant nonsyndromic hearing loss 20. Identifiers: Orphanet 90635, MedGen C1858172, MONDO:0011480, OMIM 604717.

Allele frequency attached by ClinVar (database versions not stated): TOPMed 0.00008; gnomAD 0.00009 and 0.00014; gnomAD exomes 0.00013 and 0.00018; 1000 Genomes Project 30x 0.00016; 1000 Genomes Project 0.00020; ExAC 0.00021.
gnomAD v4.1: 208 of 1,614,100 alleles (0.013%); highest among the groups gnomAD compares: East Asian, 0.16%; 1 homozygote.

Submissions (6):

Labcorp Genetics (formerly Invitae), Labcorp
Classification: Benign for Baraitser-winter syndrome 2; Autosomal dominant nonsyndromic hearing loss 20. Last evaluated: 2026-01-05. Review status: criteria provided, single submitter. Criteria: Invitae Variant Classification Sherloc (09022015). Collection method: clinical testing. Allele origin: germline.

Blueprint Genetics
Classification: Likely benign. Last evaluated: 2024-05-30. Review status: criteria provided, single submitter. Criteria: ACMG Guidelines, 2015. Collection method: clinical testing. Allele origin: germline.

Genome-Nilou Lab
Classification: Benign for Baraitser-winter syndrome 2. Last evaluated: 2021-12-05. Review status: criteria provided, single submitter. Criteria: ACMG Guidelines, 2015. Collection method: clinical testing. Allele origin: germline. Affected: no.

Genome-Nilou Lab
Classification: Benign for Autosomal dominant nonsyndromic hearing loss 20. Last evaluated: 2021-12-05. Review status: criteria provided, single submitter. Criteria: ACMG Guidelines, 2015. Collection method: clinical testing. Allele origin: germline. Affected: no.

GeneDx
Classification: Benign. Last evaluated: 2019-10-18. Review status: criteria provided, single submitter. Criteria: GeneDx Variant Classification Process June 2021. Collection method: clinical testing. Allele origin: germline. Affected: yes.

Laboratory for Molecular Medicine, Mass General Brigham Personalized Medicine
Classification: Likely benign. Last evaluated: 2015-02-12. Review status: criteria provided, single submitter. Criteria: LMM Criteria. Collection method: clinical testing. Allele origin: germline. Observed: 1 variant allele.
Comment: p.Thr318Thr in exon 5 of ACTG1: This variant is not expected to have clinical si gnificance because it does not alter an amino acid residue and is not located wi thin the splice consensus sequence. It has been identified in 0.2% (18/8644) of East Asian chromosomes by the Exome Aggregation Consortium (ExAC; dbSNP rs3211110).